The following is an entry in ClinVar:

ClinVar aggregate classification (germline): Uncertain significance. Review status: criteria provided, multiple submitters, no conflicts (2 of 4 stars). 6 submissions from 5 submitters: Uncertain significance (5). 1 of the submissions does not count toward it. Last evaluated 2021-08-26.

Conditions:
Usher syndrome type 1 (USH1). Also called: RETINITIS PIGMENTOSA AND CONGENITAL DEAFNESS. Identifiers: Orphanet 231169, Orphanet 886, MedGen C1568247, MONDO:0010168, OMIM 276900.
Autosomal recessive nonsyndromic hearing loss 12. Also called: DEAFNESS, AUTOSOMAL RECESSIVE 12. Identifiers: Orphanet 90636, MedGen C1832394, MONDO:0011067, OMIM 601386.
Usher syndrome type 1D (USH1D). Also called: USHER SYNDROME, TYPE ID. Identifiers: Orphanet 231169, Orphanet 886, MedGen C1832845, MONDO:0010984, OMIM 601067.

Allele frequency attached by ClinVar (database versions not stated): gnomAD 0.00001; gnomAD exomes 0.00001 and 0.00002; TOPMed 0.00002; ExAC 0.00005.
gnomAD v4.1: 20 of 1,599,180 alleles (0.0013%); highest among the groups gnomAD compares: Non-Finnish European, 0.0014%; no homozygotes.

Submissions (6):

Labcorp Genetics (formerly Invitae), Labcorp
Classification: Uncertain significance. Last evaluated: 2021-08-26. Review status: criteria provided, single submitter. Criteria: Invitae Variant Classification Sherloc (09022015). Collection method: clinical testing. Allele origin: germline.
Comment: This sequence change replaces glutamine with arginine at codon 562 of the CDH23 protein (p.Gln562Arg). The glutamine residue is highly conserved and there is a small physicochemical difference between glutamine and arginine. This variant is present in population databases (rs397517311, ExAC 0.009%). This variant has not been reported in the literature in individuals affected with CDH23-related conditions. ClinVar contains an entry for this variant (Variation ID: 45881). Algorithms developed to predict the effect of missense changes on protein structure and function are either unavailable or do not agree on the potential impact of this missense change (SIFT: "Deleterious"; PolyPhen-2: "Not Available"; Align-GVGD: "Class C0"). In summary, the available evidence is currently insufficient to determine the role of this variant in disease. Therefore, it has been classified as a Variant of Uncertain Significance.

Genome-Nilou Lab
Classification: Uncertain significance for Autosomal recessive nonsyndromic hearing loss 12. Last evaluated: 2021-07-14. Review status: criteria provided, single submitter. Criteria: ACMG Guidelines, 2015. Collection method: clinical testing. Allele origin: germline. Affected: no.

Genome-Nilou Lab
Classification: Uncertain significance for Usher syndrome type 1D. Last evaluated: 2021-07-14. Review status: criteria provided, single submitter. Criteria: ACMG Guidelines, 2015. Collection method: clinical testing. Allele origin: germline. Affected: no.

GeneDx
Classification: Uncertain significance. Last evaluated: 2021-06-04. Review status: criteria provided, single submitter. Criteria: GeneDx Variant Classification Process June 2021. Collection method: clinical testing. Allele origin: germline. Affected: yes.
Comment: Not observed at significant frequency in large population cohorts (Lek et al., 2016); In silico analysis supports that this missense variant does not alter protein structure/function; Has not been previously published as pathogenic or benign to our knowledge; This variant is associated with the following publications: (PMID: 27535533)

Laboratory for Molecular Medicine, Mass General Brigham Personalized Medicine
Classification: Uncertain significance. Last evaluated: 2012-04-10. Review status: criteria provided, single submitter. Criteria: LMM Criteria. Collection method: clinical testing. Allele origin: germline. Observed: 1 variant allele.
Comment: The Gln562Arg variant in CDH23 has not been reported in the literature nor previ ously identified by our laboratory. Computational analyses (biochemical amino ac id properties, conservation, AlignGVGD, PolyPhen2, and SIFT) do not provide stro ng support for or against an impact to the protein. In summary, the clinical sig nificance of this variant cannot be determined with certainty.

Natera, Inc.
Classification: Uncertain significance for Usher syndrome type 1. Last evaluated: 2020-09-29. Review status: no assertion criteria provided. Collection method: clinical testing. Allele origin: germline. Not counted in ClinVar's aggregate classification.

NM_022124.6(CDH23):c.1685A>G (p.Gln562Arg)

Gene: CDH23 (cadherin related 23; plus strand). Cytogenetic location: 10q22.1.
Variant type: single nucleotide variant.
Coding change: c.1685A>G on transcript NM_022124.6 (MANE Select); coding-DNA position 1685, A replaced by G.
Protein change: p.Gln562Arg; replaces glutamine 562 with arginine.
Molecular consequence: missense variant.
Genome position (GRCh38, 1-based): chr10:71,677,626, A>G. VCF-style: chr10-71677626-A-G. GRCh37 (hg19) VCF-style: chr10-73437383-A-G.
Other names: c.1685A>G, p.Gln562Arg (NM_001171930.2, NM_001171931.2); short protein forms Q562R.
Identifiers: ClinVar variation 45881 (VCV000045881.12), dbSNP rs397517311, ClinGen allele CA137299.